The following is an entry in ClinVar:

ClinVar aggregate classification (germline): Conflicting classifications of pathogenicity. Review status: criteria provided, conflicting classifications (1 of 4 stars). 6 submissions from 6 submitters: Uncertain significance (5); Benign (1). Last evaluated 2026-01-19.

Conditions:
Hereditary cancer-predisposing syndrome. Also called: Hereditary neoplastic syndrome; Neoplastic Syndromes, Hereditary; Hereditary Cancer Syndrome; Tumor predisposition. Identifiers: Orphanet 140162, MedGen C0027672, MeSH D009386, MONDO:0015356.
Lynch syndrome. Identifiers: Orphanet 144, MedGen C4552100, MONDO:0005835. Disease mechanism: loss of function.
Hereditary nonpolyposis colorectal neoplasms. Identifiers: MedGen C0009405, MeSH D003123.

Allele frequency attached by ClinVar (database versions not stated): ExAC 0.00001; TOPMed 0.00001; gnomAD 0.00002 and 0.00003; ESP Exome Variant Server 0.00008.
gnomAD v4.1: 3 of 1,613,964 alleles (0.00019%); highest among the groups gnomAD compares: African/African-American, 0.004%; no homozygotes.

Submissions (6):

Labcorp Genetics (formerly Invitae), Labcorp
Classification: Benign for Hereditary nonpolyposis colorectal neoplasms. Last evaluated: 2026-01-19. Review status: criteria provided, single submitter. Criteria: Invitae Variant Classification Sherloc (09022015). Collection method: clinical testing. Allele origin: germline.

Institute for Biomarker Research, Medical Diagnostic Laboratories, L.L.C.
Classification: Uncertain significance for Hereditary cancer-predisposing syndrome. Last evaluated: 2025-01-27. Review status: criteria provided, single submitter. Criteria: ACMG Guidelines, 2015. Collection method: clinical testing. Allele origin: germline.
Comment: The missense variant NM_000179.3(MSH6):c.3303G>T (p.Lys1101Asn) has not been reported previously as a pathogenic variant nor as a benign variant, to our knowledge. There is a moderate physicochemical difference between lysine and asparagine. The nucleotide c.3303 in MSH6 is predicted conserved by GERP++ and PhyloP across 100 vertebrates. For these reasons, this variant has been classified as Uncertain Significance

Ambry Genetics
Classification: Uncertain significance for Hereditary cancer-predisposing syndrome. Last evaluated: 2024-09-26. Review status: criteria provided, single submitter. Criteria: Ambry Variant Classification Scheme 2023. Collection method: clinical testing. Allele origin: germline.
Comment: The p.K1101N variant (also known as c.3303G>T), located in coding exon 5 of the MSH6 gene, results from a G to T substitution at nucleotide position 3303. The lysine at codon 1101 is replaced by asparagine, an amino acid with similar properties. This amino acid position is well conserved in available vertebrate species. In addition, the in silico prediction for this alteration is inconclusive. Since supporting evidence is limited at this time, the clinical significance of this alteration remains unclear.

All of Us Research Program, National Institutes of Health
Classification: Uncertain significance for Lynch syndrome. Last evaluated: 2024-05-14. Review status: criteria provided, single submitter. Criteria: ACMG Guidelines, 2015. Collection method: clinical testing. Allele origin: germline. Inheritance: Autosomal dominant inheritance. Observed: 1 variant allele, 1 heterozygote.
Comment: This missense variant replaces lysine with asparagine at codon 1101 of the MSH6 protein. Computational prediction suggests that this variant may not impact protein structure and function (internally defined REVEL score threshold <= 0.5, PMID: 27666373). To our knowledge, functional studies have not been reported for this variant. This variant has not been reported in individuals affected with MSH6-related disorders in the literature. This variant has been identified in 1/31388 chromosomes in the general population by the Genome Aggregation Database (gnomAD). The available evidence is insufficient to determine the role of this variant in disease conclusively. Therefore, this variant is classified as a Variant of Uncertain Significance.

This study involves interpretation of variants in research participants for the purpose of population health screening. Participant phenotype was not available at the time of variant classification. Additional details can be found in publication PMID: 35346344, PMCID: PMC8962531

Color Diagnostics, LLC DBA Color Health
Classification: Uncertain significance for Hereditary cancer-predisposing syndrome. Last evaluated: 2023-06-13. Review status: criteria provided, single submitter. Criteria: ACMG Guidelines, 2015. Collection method: clinical testing. Allele origin: germline.
Comment: This missense variant replaces lysine with asparagine at codon 1101 of the MSH6 protein. Computational prediction suggests that this variant may not impact protein structure and function (internally defined REVEL score threshold <= 0.5, PMID: 27666373). To our knowledge, functional studies have not been reported for this variant. This variant has not been reported in individuals affected with MSH6-related disorders in the literature. This variant has been identified in 1/31388 chromosomes in the general population by the Genome Aggregation Database (gnomAD). The available evidence is insufficient to determine the role of this variant in disease conclusively. Therefore, this variant is classified as a Variant of Uncertain Significance.

CeGaT Center for Human Genetics Tuebingen
Classification: Uncertain significance. Last evaluated: 2020-05-01. Review status: criteria provided, single submitter. Criteria: CeGaT Center For Human Genetics Tuebingen Variant Classification Criteria Version 2. Collection method: clinical testing. Allele origin: germline. Affected: yes. Observed: 1 variant allele.

NM_000179.3(MSH6):c.3303G>T (p.Lys1101Asn)

Gene: MSH6 (mutS homolog 6; plus strand). Cytogenetic location: 2p16.3.
Variant type: single nucleotide variant.
Coding change: c.3303G>T on transcript NM_000179.3 (MANE Select); coding-DNA position 3303, G replaced by T.
Protein change: p.Lys1101Asn; replaces lysine 1101 with asparagine.
Molecular consequence: missense variant.
Genome position (GRCh38, 1-based): chr2:47,803,550, G>T. VCF-style: chr2-47803550-G-T. GRCh37 (hg19) VCF-style: chr2-48030689-G-T.
Other names: c.2913G>T, p.Lys971Asn (NM_001281492.2); c.2397G>T, p.Lys799Asn (NM_001281493.2, NM_001281494.2); short protein forms K1101N, K971N, K799N.
Identifiers: ClinVar variation 455246 (VCV000455246.58), dbSNP rs370353868, ClinGen allele CA070623.